The following is an entry in ClinVar:

ClinVar aggregate classification (germline): Pathogenic (1 of 4 stars; one submission).

Conditions:
Inborn genetic diseases. Identifiers: MedGen C0950123, MeSH D030342.

Submission:

Ambry Genetics
Classification: Pathogenic for Inborn genetic diseases. Last evaluated: 2026-03-06. Review status: criteria provided, single submitter. Criteria: Ambry Variant Classification Scheme 2023. Collection method: clinical testing. Allele origin: germline.
Comment: The c.613delC pathogenic mutation, located in coding exon 5 of the ETV6 gene, results from a deletion of one nucleotide at nucleotide position 613, causing a translational frameshift with a predicted alternate stop codon (p.L205Wfs*4). In multiple assays testing ETV6 function, this variant showed functionally abnormal results (Nishii R et al. Blood, 2021 Jan;137:364-373). This variant is considered to be rare based on population cohorts in the Genome Aggregation Database (gnomAD). This alteration is expected to result in loss of function by premature protein truncation or nonsense-mediated mRNA decay. As such, this alteration is interpreted as a disease-causing mutation.

Literature cited by the submitters: PubMed 32693409.

NM_001987.5(ETV6):c.613del (p.Leu205fs)

Gene: ETV6 (ETS variant transcription factor 6; plus strand). Cytogenetic location: 12p13.2.
Variant type: Deletion.
Coding change: c.613del on transcript NM_001987.5 (MANE Select); coding-DNA position 613, one base deleted (C; older notation c.613delC).
Protein change: p.Leu205fs; shifts the reading frame from leucine 205.
Molecular consequence: frameshift variant.
Genome position (GRCh38, 1-based): chr12:11,869,573, C deleted; the last of 6 consecutive C bases (chr12:11,869,568-11,869,573); deleting any one gives the same sequence. VCF-style (leftmost placement, unchanged base first): chr12-11869567-TC-T. GRCh37 (hg19) VCF-style: chr12-12022501-TC-T.
Other names: c.610del, p.Leu204fs (NM_001413913.1); c.586del, p.Leu196fs (NM_001413914.1); c.349del, p.Leu117fs (NM_001413915.1); c.613del, p.Leu205fs (NM_001413916.1, NM_001413917.1); short protein forms L204fs, L117fs, L196fs, L205fs.
Identifiers: ClinVar variation 4826551 (VCV004826551.1).